The following is an entry in ClinVar:

NM_001029883.3(PCARE):c.428C>T (p.Ser143Phe)

Gene: PCARE (photoreceptor cilium actin regulator; minus strand). Cytogenetic location: 2p23.2.
Variant type: single nucleotide variant.
Coding change: c.428C>T on transcript NM_001029883.3 (MANE Select); coding-DNA position 428, C replaced by T.
Protein change: p.Ser143Phe; replaces serine 143 with phenylalanine.
Molecular consequence: missense variant.
Genome position (GRCh38, 1-based): chr2:29,073,834, G>A on the plus strand (C>T on the coding strand, the complement: PCARE is on the minus strand). VCF-style: chr2-29073834-G-A. GRCh37 (hg19) VCF-style: chr2-29296700-G-A.
Other names: c.428C>T (NM_001029883.2); short protein forms S143F.
Identifiers: ClinVar variation 1061872 (VCV001061872.7), dbSNP rs201990008, ClinGen allele CA1592652.

ClinVar aggregate classification (germline): Uncertain significance. Review status: criteria provided, multiple submitters, no conflicts (2 of 4 stars). 3 submissions from 3 submitters: Uncertain significance (3). Last evaluated 2026-07-20.

Conditions:
PCARE-related disorder. Also called: PCARE-related condition.

Allele frequency attached by ClinVar (database versions not stated): gnomAD exomes 0.00003 and 0.00006; ExAC 0.00012; gnomAD 0.00029 and 0.00032; TOPMed 0.00032; ESP Exome Variant Server 0.00048.
gnomAD v4.1: 88 of 1,614,100 alleles (0.0055%); highest among the groups gnomAD compares: African/African-American, 0.11%; no homozygotes.

Submissions (3):

PreventionGenetics, part of Exact Sciences
Classification: Uncertain significance for PCARE-related condition. Last evaluated: 2026-07-20. Review status: criteria provided, single submitter. Criteria: ACMG Guidelines, 2015. Collection method: clinical testing. Allele origin: germline.
Comment: The PCARE c.428C>T variant is predicted to result in the amino acid substitution p.Ser143Phe. To our knowledge, this variant has not been reported in the literature. This variant is reported in 0.11% of alleles in individuals of African descent in gnomAD, which may be too frequent to be a primary cause of disease. Although we suspect that this variant may be benign, at this time, the clinical significance of this variant is uncertain due to the absence of conclusive functional and genetic evidence.

Labcorp Genetics (formerly Invitae), Labcorp
Classification: Uncertain significance. Last evaluated: 2025-01-13. Review status: criteria provided, single submitter. Criteria: Invitae Variant Classification Sherloc (09022015). Collection method: clinical testing. Allele origin: germline.
Comment: This sequence change replaces serine, which is neutral and polar, with phenylalanine, which is neutral and non-polar, at codon 143 of the PCARE protein (p.Ser143Phe). This variant is present in population databases (rs201990008, gnomAD 0.1%). This variant has not been reported in the literature in individuals affected with PCARE-related conditions. ClinVar contains an entry for this variant (Variation ID: 1061872). An algorithm developed to predict the effect of missense changes on protein structure and function (PolyPhen-2) suggests that this variant is likely to be disruptive. In summary, the available evidence is currently insufficient to determine the role of this variant in disease. Therefore, it has been classified as a Variant of Uncertain Significance.

Blueprint Genetics
Classification: Uncertain significance. Last evaluated: 2023-02-14. Review status: criteria provided, single submitter. Criteria: ACMG Guidelines, 2015. Collection method: clinical testing. Allele origin: germline.